The following is an entry in ClinVar:

ClinVar aggregate classification (germline): Benign/Likely benign. Review status: criteria provided, multiple submitters, no conflicts (2 of 4 stars). 7 submissions from 7 submitters: Benign (1); Likely benign (5). 1 of the submissions does not count toward it. Last evaluated 2025-04-07.

Conditions:
Hereditary cancer-predisposing syndrome. Also called: Tumor predisposition; Hereditary Cancer Syndrome; Hereditary neoplastic syndrome; Neoplastic Syndromes, Hereditary. Identifiers: Orphanet 140162, MedGen C0027672, MeSH D009386, MONDO:0015356.
PALB2-related disorder. Also called: PALB2-related disorders; PALB2-related condition.
Familial cancer of breast. Also called: hereditary breast carcinoma; BREAST CANCER, FAMILIAL; Hereditary breast cancer. Identifiers: Orphanet 227535, MedGen C0346153, MONDO:0016419, OMIM 114480. Disease mechanism: loss of function.

Allele frequency attached by ClinVar (database versions not stated): TOPMed below 0.00001; ESP Exome Variant Server 0.00008.

Submissions (7):

Labcorp Genetics (formerly Invitae), Labcorp
Classification: Likely benign for Familial cancer of breast. Last evaluated: 2025-04-07. Review status: criteria provided, single submitter. Criteria: Invitae Variant Classification Sherloc (09022015). Collection method: clinical testing. Allele origin: germline.

Quest Diagnostics Nichols Institute San Juan Capistrano
Classification: Likely benign. Last evaluated: 2025-01-29. Review status: criteria provided, single submitter. Criteria: Quest Diagnostics criteria. Collection method: clinical testing. Allele origin: unknown.

Myriad Genetics, Inc.
Classification: Benign for Familial cancer of breast. Last evaluated: 2025-01-14. Review status: criteria provided, single submitter. Criteria: Myriad Autosomal Dominant, Autosomal Recessive and X-Linked Classification Criteria (2023). Collection method: clinical testing. Allele origin: unknown.
Comment: This variant is considered benign. This variant is a silent/synonymous amino acid change and it is not expected to impact splicing.

GeneDx
Classification: Likely benign. Last evaluated: 2021-04-05. Review status: criteria provided, single submitter. Criteria: GeneDx Variant Classification Process June 2021. Collection method: clinical testing. Allele origin: germline. Affected: yes.

Color Diagnostics, LLC DBA Color Health
Classification: Likely benign for Hereditary cancer-predisposing syndrome. Last evaluated: 2018-11-21. Review status: criteria provided, single submitter. Criteria: ACMG Guidelines, 2015. Collection method: clinical testing. Allele origin: germline.

Ambry Genetics
Classification: Likely benign for Hereditary cancer-predisposing syndrome. Last evaluated: 2017-02-17. Review status: criteria provided, single submitter. Criteria: Ambry Variant Classification Scheme 2023. Collection method: clinical testing. Allele origin: germline.

PreventionGenetics, part of Exact Sciences
Classification: Likely benign for PALB2-related condition. Last evaluated: 2021-10-21. Review status: no assertion criteria provided. Collection method: clinical testing. Allele origin: germline. Not counted in ClinVar's aggregate classification.
Comment: This variant is classified as likely benign based on ACMG/AMP sequence variant interpretation guidelines (Richards et al. 2015 PMID: 25741868, with internal and published modifications).

NM_024675.4(PALB2):c.1698T>C (p.Arg566=)

Gene: PALB2 (partner and localizer of BRCA2; minus strand). Cytogenetic location: 16p12.2.
Variant type: single nucleotide variant.
Coding change: c.1698T>C on transcript NM_024675.4 (MANE Select); coding-DNA position 1698, T replaced by C.
Protein change: p.Arg566=; no amino-acid change (arginine 566 retained).
Molecular consequence: synonymous variant.
Genome position (GRCh38, 1-based): chr16:23,630,456, A>G on the plus strand (T>C on the coding strand, the complement: PALB2 is on the minus strand). VCF-style: chr16-23630456-A-G. GRCh37 (hg19) VCF-style: chr16-23641777-A-G.
Identifiers: ClinVar variation 486021 (VCV000486021.25), dbSNP rs373141871, ClinGen allele CA279493750.